The following is an entry in ClinVar:

ClinVar aggregate classification (germline): Uncertain significance. Review status: criteria provided, multiple submitters, no conflicts (2 of 4 stars). 2 submissions from 2 submitters: Uncertain significance (2). Last evaluated 2025-06-12.

Conditions:
Familial hemiplegic migraine. Identifiers: MedGen C0338484, MONDO:0000700.

Allele frequency attached by ClinVar (database versions not stated): gnomAD exomes below 0.00001.
gnomAD v4.1: 5 of 1,610,362 alleles (0.00031%); highest among the groups gnomAD compares: Non-Finnish European, 0.00042%; no homozygotes.

Submissions (2):

Labcorp Genetics (formerly Invitae), Labcorp
Classification: Uncertain significance for Familial hemiplegic migraine. Last evaluated: 2025-06-12. Review status: criteria provided, single submitter. Criteria: Invitae Variant Classification Sherloc (09022015). Collection method: clinical testing. Allele origin: germline.
Comment: This sequence change replaces alanine, which is neutral and non-polar, with valine, which is neutral and non-polar, at codon 418 of the ATP1A2 protein (p.Ala418Val). This variant is not present in population databases (gnomAD no frequency). This variant has not been reported in the literature in individuals affected with ATP1A2-related conditions. ClinVar contains an entry for this variant (Variation ID: 2581877). Invitae Evidence Modeling of protein sequence and biophysical properties (such as structural, functional, and spatial information, amino acid conservation, physicochemical variation, residue mobility, and thermodynamic stability) indicates that this missense variant is not expected to disrupt ATP1A2 protein function with a negative predictive value of 80%. In summary, the available evidence is currently insufficient to determine the role of this variant in disease. Therefore, it has been classified as a Variant of Uncertain Significance.

GeneDx
Classification: Uncertain significance. Last evaluated: 2023-04-02. Review status: criteria provided, single submitter. Criteria: GeneDx Variant Classification Process June 2021. Collection method: clinical testing. Allele origin: germline. Affected: yes.
Comment: Not observed at significant frequency in large population cohorts (gnomAD); In silico analysis supports that this missense variant does not alter protein structure/function; Has not been previously published as pathogenic or benign to our knowledge; This variant is associated with the following publications: (PMID: 18184292)

NM_000702.4(ATP1A2):c.1253C>T (p.Ala418Val)

Gene: ATP1A2 (ATPase Na+/K+ transporting subunit alpha 2; plus strand). Cytogenetic location: 1q23.2.
Variant type: single nucleotide variant.
Coding change: c.1253C>T on transcript NM_000702.4 (MANE Select); coding-DNA position 1253, C replaced by T.
Protein change: p.Ala418Val; replaces alanine 418 with valine.
Molecular consequence: missense variant.
Genome position (GRCh38, 1-based): chr1:160,129,016, C>T. VCF-style: chr1-160129016-C-T. GRCh37 (hg19) VCF-style: chr1-160098806-C-T.
Other names: short protein forms A418V.
Identifiers: ClinVar variation 2581877 (VCV002581877.4), dbSNP rs2524868969, ClinGen allele CA343240266.